The following is an entry in ClinVar:

NM_001195263.2(PDZD7):c.1100del (p.Asp367fs)

Gene: PDZD7 (PDZ domain containing 7; minus strand). Cytogenetic location: 10q24.31.
Variant type: Deletion.
Coding change: c.1100del on transcript NM_001195263.2 (MANE Select); coding-DNA position 1100, one base deleted (A; older notation c.1100delA).
Protein change: p.Asp367fs; shifts the reading frame from aspartic acid 367.
Molecular consequence: frameshift variant.
Genome position (GRCh38, 1-based): chr10:101,019,046, T deleted on the plus strand (A on the coding strand, the reverse complement: PDZD7 is on the minus strand). VCF-style (leftmost placement, unchanged base first): chr10-101019045-GT-G. GRCh37 (hg19) VCF-style: chr10-102778802-GT-G.
Other names: c.1100del, p.Asp367fs (NM_001351044.2, NM_024895.5); short protein forms D367fs.
Identifiers: ClinVar variation 1452774 (VCV001452774.6), dbSNP rs760919233, ClinGen allele CA5654160.

ClinVar aggregate classification (germline): Pathogenic (1 of 4 stars; one submission).

Allele frequency attached by ClinVar (database versions not stated): gnomAD exomes 0.00001 and 0.00002; gnomAD 0.00002; TOPMed 0.00002; ExAC 0.00004.

Submission:

Labcorp Genetics (formerly Invitae), Labcorp
Classification: Pathogenic. Last evaluated: 2022-10-28. Review status: criteria provided, single submitter. Criteria: Invitae Variant Classification Sherloc (09022015). Collection method: clinical testing. Allele origin: germline.
Comment: For these reasons, this variant has been classified as Pathogenic. ClinVar contains an entry for this variant (Variation ID: 1452774). This variant has not been reported in the literature in individuals affected with PDZD7-related conditions. This variant is present in population databases (rs760919233, gnomAD 0.006%). This sequence change creates a premature translational stop signal (p.Asp367Alafs*72) in the PDZD7 gene. It is expected to result in an absent or disrupted protein product. Loss-of-function variants in PDZD7 are known to be pathogenic (PMID: 20440071).

Literature cited by the submitters: PubMed 20440071.